The following is an entry in ClinVar:

NM_020893.6(CCDC180):c.3734G>C (p.Gly1245Ala)

Genes: CCDC180 (coiled-coil domain containing 180; plus strand), SUGT1P4-STRA6LP-CCDC180 (SUGT1P4-STRA6LP-CCDC180 readthrough; plus strand). Cytogenetic location: 9q22.33.
Variant type: single nucleotide variant.
Coding change: c.3734G>C on transcript NM_020893.6 (MANE Select); coding-DNA position 3734, G replaced by C.
Protein change: p.Gly1245Ala; replaces glycine 1245 with alanine.
Molecular consequence: missense variant. On other transcripts: non-coding transcript variant (1).
Genome position (GRCh38, 1-based): chr9:97,362,273, G>C. VCF-style: chr9-97362273-G-C. GRCh37 (hg19) VCF-style: chr9-100124555-G-C.
Other names: short protein forms G1245A.
Identifiers: ClinVar variation 4083559 (VCV004083559.8).

ClinVar aggregate classification (germline): Benign (1 of 4 stars; one submission).

gnomAD v4.1: 19,483 of 1,614,134 alleles (1.2%); highest among the groups gnomAD compares: Non-Finnish European, 1.4%; 178 homozygotes.

Submission:

CeGaT Center for Human Genetics Tuebingen
Classification: Benign. Last evaluated: 2025-07-01. Review status: criteria provided, single submitter. Criteria: CeGaT Center For Human Genetics Tuebingen Variant Classification Criteria Version 2. Collection method: clinical testing. Allele origin: germline. Affected: yes. Observed: 1 variant allele.
Comment: CCDC180: BP4, BS1, BS2